The following is an entry in ClinVar:

NM_022168.4(IFIH1):c.2012A>G (p.Glu671Gly)

Gene: IFIH1 (interferon induced with helicase C domain 1; minus strand). Cytogenetic location: 2q24.2.
Variant type: single nucleotide variant.
Coding change: c.2012A>G on transcript NM_022168.4 (MANE Select); coding-DNA position 2012, A replaced by G.
Protein change: p.Glu671Gly; replaces glutamic acid 671 with glycine.
Molecular consequence: missense variant.
Genome position (GRCh38, 1-based): chr2:162,277,447, T>C on the plus strand (A>G on the coding strand, the complement: IFIH1 is on the minus strand). VCF-style: chr2-162277447-T-C. GRCh37 (hg19) VCF-style: chr2-163133957-T-C.
Other names: short protein forms E671G.
Identifiers: ClinVar variation 1490288 (VCV001490288.8), dbSNP rs1682715644, ClinGen allele CA348998427.

ClinVar aggregate classification (germline): Uncertain significance (1 of 4 stars; one submission).

Conditions:
Singleton-Merten syndrome 1 (SGMRT1). Also called: Widened medullary cavities of bone, aortic calcification, abnormal dentition, and muscular weakness; Syndrome of widened medullary cavities of the metacarpals and phalanges, aortic calcification and abnormal dentition. Identifiers: Orphanet 85191, MedGen C4225427, MONDO:0024535, OMIM 182250.
Aicardi-Goutieres syndrome 7 (AGS7). Identifiers: Orphanet 51, MedGen C3888244, MONDO:0014367, OMIM 615846.

Allele frequency attached by ClinVar (database versions not stated): TOPMed below 0.00001; gnomAD exomes below 0.00001.
gnomAD v4.1: 2 of 1,609,264 alleles (0.00012%); highest among the groups gnomAD compares: African/African-American, 0.0027%; no homozygotes.

Submission:

Labcorp Genetics (formerly Invitae), Labcorp
Classification: Uncertain significance for Aicardi-Goutieres syndrome 7; Singleton-Merten syndrome 1. Last evaluated: 2025-10-27. Review status: criteria provided, single submitter. Criteria: Invitae Variant Classification Sherloc (09022015). Collection method: clinical testing. Allele origin: germline.
Comment: This sequence change replaces glutamic acid, which is acidic and polar, with glycine, which is neutral and non-polar, at codon 671 of the IFIH1 protein (p.Glu671Gly). This variant is not present in population databases (gnomAD no frequency). This variant has not been reported in the literature in individuals affected with IFIH1-related conditions. ClinVar contains an entry for this variant (Variation ID: 1490288). An algorithm developed to predict the effect of missense changes on protein structure and function outputs the following: PolyPhen-2: "Benign". The glycine amino acid residue is found in multiple mammalian species, which suggests that this missense change does not adversely affect protein function. In summary, the available evidence is currently insufficient to determine the role of this variant in disease. Therefore, it has been classified as a Variant of Uncertain Significance.